The following is an entry in ClinVar:

ClinVar aggregate classification (germline): Uncertain significance. Review status: criteria provided, multiple submitters, no conflicts (2 of 4 stars). 2 submissions from 2 submitters: Uncertain significance (2). Last evaluated 2024-04-09.

Conditions:
Osteogenesis imperfecta type 8 (OI8). Identifiers: MedGen C1970458, MONDO:0012581, OMIM 610915.

Allele frequency attached by ClinVar (database versions not stated): gnomAD exomes below 0.00001.
gnomAD v4.1: 1 of 1,613,150 alleles (0.000062%); highest among the groups gnomAD compares: African/African-American, 0.0013%; no homozygotes.

Submissions (2):

Women's Health and Genetics/Laboratory Corporation of America, LabCorp
Classification: Uncertain significance. Last evaluated: 2024-04-09. Review status: criteria provided, single submitter. Criteria: LabCorp Variant Classification Summary - May 2015. Collection method: clinical testing. Allele origin: germline.
Comment: Variant summary: P3H1 c.2024G>T (p.Trp675Leu) results in a non-conservative amino acid change located in the Oxoglutarate/iron-dependent dioxygenase domain (IPR005123) of the encoded protein sequence. Five of five in-silico tools predict a damaging effect of the variant on protein function. The variant allele was found at a frequency of 4e-06 in 250626 control chromosomes. The available data on variant occurrences in the general population are insufficient to allow any conclusion about variant significance. c.2024G>T has been reported in the literature as a heterozygous (non-informative) genotype in at-least one individual affected with Osteogenesis Imperfecta, type VIII (example, Barbirato_2015, overlapping with Trancozo_2019). These data do not allow any conclusion about variant significance. To our knowledge, no experimental evidence demonstrating an impact on protein function has been reported. The following publications have been ascertained in the context of this evaluation (PMID: 26634552, 31429852). ClinVar contains an entry for this variant (Variation ID: 578399). Based on the evidence outlined above, the variant was classified as uncertain significance.

Labcorp Genetics (formerly Invitae), Labcorp
Classification: Uncertain significance for Osteogenesis imperfecta type 8. Last evaluated: 2022-09-07. Review status: criteria provided, single submitter. Criteria: Invitae Variant Classification Sherloc (09022015). Collection method: clinical testing. Allele origin: germline.
Comment: This sequence change replaces tryptophan, which is neutral and slightly polar, with leucine, which is neutral and non-polar, at codon 675 of the P3H1 protein (p.Trp675Leu). This variant is present in population databases (no rsID available, gnomAD 0.007%). In summary, the available evidence is currently insufficient to determine the role of this variant in disease. Therefore, it has been classified as a Variant of Uncertain Significance. Algorithms developed to predict the effect of missense changes on protein structure and function are either unavailable or do not agree on the potential impact of this missense change (SIFT: "Tolerated"; PolyPhen-2: "Probably Damaging"; Align-GVGD: "Class C0"). ClinVar contains an entry for this variant (Variation ID: 578399). This missense change has been observed in individual(s) with osteogenesis imperfecta (PMID: 26634552).

Literature cited by the submitters: PubMed 26634552 (cited by Women's Health and Genetics/Laboratory Corporation of America, LabCorp and Labcorp Genetics (formerly Invitae), Labcorp); PubMed 31429852 (cited by Women's Health and Genetics/Laboratory Corporation of America, LabCorp).

NM_022356.4(P3H1):c.2024G>T (p.Trp675Leu)

Gene: P3H1 (prolyl 3-hydroxylase 1; minus strand). Cytogenetic location: 1p34.2.
Variant type: single nucleotide variant.
Coding change: c.2024G>T on transcript NM_022356.4 (MANE Select); coding-DNA position 2024, G replaced by T.
Protein change: p.Trp675Leu; replaces tryptophan 675 with leucine.
Molecular consequence: missense variant.
Genome position (GRCh38, 1-based): chr1:42,747,303, C>A on the plus strand (G>T on the coding strand, the complement: P3H1 is on the minus strand). VCF-style: chr1-42747303-C-A. GRCh37 (hg19) VCF-style: chr1-43212974-C-A.
Other names: c.2024G>T, p.Trp675Leu (NM_001146289.2, NM_001243246.2); short protein forms W675L.
Identifiers: ClinVar variation 578399 (VCV000578399.8), dbSNP rs1226770904, ClinGen allele CA339952480.